The following is an entry in ClinVar:

NM_001349253.2(SCN11A):c.2214G>A (p.Pro738=)

Gene: SCN11A (sodium voltage-gated channel alpha subunit 11; minus strand). Cytogenetic location: 3p22.2.
Variant type: single nucleotide variant.
Coding change: c.2214G>A on transcript NM_001349253.2 (MANE Select); coding-DNA position 2214, G replaced by A.
Protein change: p.Pro738=; no amino-acid change (proline 738 retained).
Molecular consequence: synonymous variant.
Genome position (GRCh38, 1-based): chr3:38,897,034, C>T on the plus strand (G>A on the coding strand, the complement: SCN11A is on the minus strand). VCF-style: chr3-38897034-C-T. GRCh37 (hg19) VCF-style: chr3-38938525-C-T.
Other names: c.2214G>A (NM_014139.2); c.2214G>A, p.Pro738= (NM_014139.3).
Identifiers: ClinVar variation 2950500 (VCV002950500.4), dbSNP rs372596394, ClinGen allele CA2322108.
Genomic context (GRCh38, chr3:38,897,034, plus strand): 5'-GAAGGAGTGCCAGAAATCCCCCATGTGCCAGTGCCGTAAACATGAGACTGTCGGGCCTGT[C>T]GGGTTACAGAGTTTTGGACTCTTTTGGGAATTGAAGCTACGGCCAAAAAGCTGCATGCCA-3'
Protein context (NP_001336182.1, residues 728-748): NSQKSPKLCN[Pro738=]TGPTVSCLRH

ClinVar aggregate classification (germline): Likely benign. Review status: criteria provided, multiple submitters, no conflicts (2 of 4 stars). 2 submissions from 2 submitters: Likely benign (2). Last evaluated 2026-05-12.

Conditions:
SCN11A-related disorder. Also called: SCN11A-related condition.
Hereditary sensory and autonomic neuropathy type 7. Also called: Neuropathy, hereditary sensory and autonomic, type VII; HSAN VII. Identifiers: Orphanet 391397, MedGen C3809882, MONDO:0014244, OMIM 615548.
Familial episodic pain syndrome with predominantly lower limb involvement. Also called: Episodic pain syndrome, familial, 3. Identifiers: Orphanet 391384, Orphanet 391392, MedGen C3809899, MONDO:0014247, OMIM 615552.

Allele frequency attached by ClinVar (database versions not stated): ExAC 0.00002; gnomAD 0.00004; TOPMed 0.00004; ESP Exome Variant Server 0.00008.
gnomAD v4.1: 21 of 1,613,924 alleles (0.0013%); highest among the groups gnomAD compares: African/African-American, 0.012%; no homozygotes.

Submissions (2):

PreventionGenetics, part of Exact Sciences
Classification: Likely benign for SCN11A-related condition. Last evaluated: 2026-05-12. Review status: criteria provided, single submitter. Criteria: ACMG Guidelines, 2015. Collection method: clinical testing. Allele origin: germline.
Comment: This variant is classified as likely benign based on ACMG/AMP sequence variant interpretation guidelines (Richards et al. 2015 PMID: 25741868, with internal and published modifications).

Labcorp Genetics (formerly Invitae), Labcorp
Classification: Likely benign for Familial episodic pain syndrome with predominantly lower limb involvement; Hereditary sensory and autonomic neuropathy type 7. Last evaluated: 2024-01-28. Review status: criteria provided, single submitter. Criteria: Invitae Variant Classification Sherloc (09022015). Collection method: clinical testing. Allele origin: germline.